The following is an entry in ClinVar:

NM_007373.4(SHOC2):c.1592A>G (p.His531Arg)

Gene: SHOC2 (SHOC2 leucine rich repeat scaffold protein; plus strand). Cytogenetic location: 10q25.2.
Variant type: single nucleotide variant.
Coding change: c.1592A>G on transcript NM_007373.4 (MANE Select); coding-DNA position 1592, A replaced by G.
Protein change: p.His531Arg; replaces histidine 531 with arginine.
Molecular consequence: missense variant. On other transcripts: non-coding transcript variant (1).
Genome position (GRCh38, 1-based): chr10:111,011,661, A>G. VCF-style: chr10-111011661-A-G. GRCh37 (hg19) VCF-style: chr10-112771419-A-G.
Other names: c.1454A>G, p.His485Arg (NM_001269039.3); c.1592A>G, p.His531Arg (NM_001324336.2, NM_001324337.2); short protein forms H485R, H531R.
Identifiers: ClinVar variation 1334284 (VCV001334284.10), dbSNP rs1848567648, ClinGen allele CA378526072.

ClinVar aggregate classification (germline): Uncertain significance. Review status: criteria provided, multiple submitters, no conflicts (2 of 4 stars). 5 submissions from 5 submitters: Uncertain significance (5). Last evaluated 2026-07-14.

Conditions:
SHOC2-related disorder. Also called: SHOC2-related condition.
Cardiovascular phenotype. Identifiers: MedGen CN230736.
Noonan syndrome and Noonan-related syndrome. Identifiers: Orphanet 98733, MedGen C5681679, MONDO:0020297.
RASopathy. Also called: rasopathies; Noonan spectrum disorder. Identifiers: Orphanet 536391, MedGen C5555857, MONDO:0021060.

Allele frequency attached by ClinVar (database versions not stated): gnomAD exomes 0.00001; TOPMed 0.00001.
gnomAD v4.1: 8 of 1,614,054 alleles (0.0005%); highest among the groups gnomAD compares: Admixed American, 0.0033%; no homozygotes.

Submissions (5):

PreventionGenetics, part of Exact Sciences
Classification: Uncertain significance for SHOC2-related condition. Last evaluated: 2026-07-14. Review status: criteria provided, single submitter. Criteria: ACMG Guidelines, 2015. Collection method: clinical testing. Allele origin: germline.
Comment: The SHOC2 c.1592A>G variant is predicted to result in the amino acid substitution p.His531Arg. To our knowledge, this variant has not been reported in the literature or in a large population database, indicating this variant is rare. At this time, the clinical significance of this variant is uncertain due to the absence of conclusive functional and genetic evidence.

Labcorp Genetics (formerly Invitae), Labcorp
Classification: Uncertain significance for RASopathy. Last evaluated: 2025-10-15. Review status: criteria provided, single submitter. Criteria: Invitae Variant Classification Sherloc (09022015). Collection method: clinical testing. Allele origin: germline.
Comment: This sequence change replaces histidine, which is basic and polar, with arginine, which is basic and polar, at codon 531 of the SHOC2 protein (p.His531Arg). This variant is not present in population databases (gnomAD no frequency). This variant has not been reported in the literature in individuals affected with SHOC2-related conditions. ClinVar contains an entry for this variant (Variation ID: 1334284). Invitae Evidence Modeling of protein sequence and biophysical properties (such as structural, functional, and spatial information, amino acid conservation, physicochemical variation, residue mobility, and thermodynamic stability) has been performed for this missense variant. However, the output from this modeling did not meet the statistical confidence thresholds required to predict the impact of this variant on SHOC2 protein function. In summary, the available evidence is currently insufficient to determine the role of this variant in disease. Therefore, it has been classified as a Variant of Uncertain Significance.

Women's Health and Genetics/Laboratory Corporation of America, LabCorp
Classification: Uncertain significance. Last evaluated: 2024-12-12. Review status: criteria provided, single submitter. Criteria: LabCorp Variant Classification Summary - May 2015. Collection method: clinical testing. Allele origin: germline.
Comment: Variant summary: SHOC2 c.1592A>G (p.His531Arg) results in a non-conservative amino acid change in the encoded protein sequence. Three of five in-silico tools predict a benign effect of the variant on protein function. The variant was absent in 251448 control chromosomes. The available data on variant occurrences in the general population are insufficient to allow any conclusion about variant significance. To our knowledge, no occurrence of c.1592A>G in individuals affected with Noonan Syndrome With Loose Anagen Hair and no experimental evidence demonstrating its impact on protein function have been reported. ClinVar contains an entry for this variant (Variation ID: 1334284). Based on the evidence outlined above, the variant was classified as uncertain significance.

Ambry Genetics
Classification: Uncertain significance for Cardiovascular phenotype. Last evaluated: 2023-10-01. Review status: criteria provided, single submitter. Criteria: Ambry Variant Classification Scheme 2023. Collection method: clinical testing. Allele origin: germline.
Comment: The p.H531R variant (also known as c.1592A>G), located in coding exon 8 of the SHOC2 gene, results from an A to G substitution at nucleotide position 1592. The histidine at codon 531 is replaced by arginine, an amino acid with highly similar properties. This amino acid position is conserved. In addition, the in silico prediction for this alteration is inconclusive. Since supporting evidence is limited at this time, the clinical significance of this alteration remains unclear.

Genome Diagnostics Laboratory, The Hospital for Sick Children
Classification: Uncertain significance for Noonan syndrome and Noonan-related syndrome. Last evaluated: 2018-04-01. Review status: criteria provided, single submitter. Criteria: ACMG Guidelines, 2015. Collection method: clinical testing. Allele origin: germline.